The following is an entry in ClinVar:

NM_004092.4(ECHS1):c.343A>C (p.Lys115Gln)

Gene: ECHS1 (enoyl-CoA hydratase, short chain 1; minus strand). Cytogenetic location: 10q26.3.
Variant type: single nucleotide variant.
Coding change: c.343A>C on transcript NM_004092.4 (MANE Select); coding-DNA position 343, A replaced by C.
Protein change: p.Lys115Gln; replaces lysine 115 with glutamine.
Molecular consequence: missense variant.
Genome position (GRCh38, 1-based): chr10:133,369,975, T>G on the plus strand (A>C on the coding strand, the complement: ECHS1 is on the minus strand). VCF-style: chr10-133369975-T-G. GRCh37 (hg19) VCF-style: chr10-135183479-T-G.
Other names: c.343A>C (NM_004092.3); short protein forms K115Q.
Identifiers: ClinVar variation 1667614 (VCV001667614.13), dbSNP rs369960115, ClinGen allele CA5765810.
Genomic context (GRCh38, chr10:133,369,975, plus strand): 5'-TGACAGCAGCGATGACTGGCTTCTTGACCTGGGTGAGGTGGTCCCAGTGCTTCAAGAACT[T>G]GCTGGAGTAACAGTCCTGGAAACTCAGGTTCTGCATTTCCTTGATATCAGCTCCAGCTAG-3'
Protein context (NP_004083.3, residues 105-125): NLSFQDCYSS[Lys115Gln]FLKHWDHLTQ

ClinVar aggregate classification (germline): Conflicting classifications of pathogenicity. Review status: criteria provided, conflicting classifications (1 of 4 stars). 4 submissions from 4 submitters: Uncertain significance (3); Likely benign (1). Last evaluated 2026-01-21.

Conditions:
Inborn genetic diseases. Identifiers: MedGen C0950123, MeSH D030342.
Mitochondrial short-chain Enoyl-Coa hydratase 1 deficiency. Also called: PxMD-ECHS1; Mitochondrial Short-Chain Enoyl-CoA Hydratase Deficiency; ECHS1 deficiency. Identifiers: Orphanet 255241, Orphanet 653880, MedGen C4225391, MONDO:0014563, OMIM 616277.

Allele frequency attached by ClinVar (database versions not stated): TOPMed below 0.00001; gnomAD 0.00002; gnomAD exomes 0.00006 and 0.00014; ExAC 0.00013.
gnomAD v4.1: 92 of 1,613,812 alleles (0.0057%); highest among the groups gnomAD compares: South Asian, 0.088%; no homozygotes.

Submissions (4):

Labcorp Genetics (formerly Invitae), Labcorp
Classification: Likely benign. Last evaluated: 2026-01-21. Review status: criteria provided, single submitter. Criteria: Invitae Variant Classification Sherloc (09022015). Collection method: clinical testing. Allele origin: germline.

GeneDx
Classification: Uncertain significance. Last evaluated: 2023-06-05. Review status: criteria provided, single submitter. Criteria: GeneDx Variant Classification Process June 2021. Collection method: clinical testing. Allele origin: germline. Affected: yes.
Comment: In silico analysis supports that this missense variant does not alter protein structure/function; Has not been previously published as pathogenic or benign to our knowledge

Ambry Genetics
Classification: Uncertain significance for Inborn genetic diseases. Last evaluated: 2021-10-27. Review status: criteria provided, single submitter. Criteria: Ambry Variant Classification Scheme 2023. Collection method: clinical testing. Allele origin: germline.

Revvity Omics, Revvity
Classification: Uncertain significance for Mitochondrial short-chain Enoyl-Coa hydratase 1 deficiency. Last evaluated: 2021-10-21. Review status: criteria provided, single submitter. Criteria: ACMG Guidelines, 2015. Collection method: clinical testing. Allele origin: germline.